The following is an entry in ClinVar:

ClinVar aggregate classification (germline): Uncertain significance. Review status: criteria provided, multiple submitters, no conflicts (2 of 4 stars). 2 submissions from 2 submitters: Uncertain significance (2). Last evaluated 2025-09-22.

Conditions:
Holoprosencephaly 9 (HPE9). Also called: HOLOPROSENCEPHALY WITH MICROPHTHALMIA AND FIRST BRANCHIAL ARCH ANOMALIES; PITUITARY ANOMALIES WITH HOLOPROSENCEPHALY-LIKE FEATURES. Identifiers: Orphanet 2162, MedGen C1835819, MONDO:0012563, OMIM 610829.
Postaxial polydactyly-anterior pituitary anomalies-facial dysmorphism syndrome. Also called: Culler-Jones syndrome. Identifiers: Orphanet 420584, MedGen C4014479, MONDO:0014369, OMIM 615849.
GLI2-related disorder. Also called: GLI2-related disorders; GLI2-related condition.

gnomAD v4.1: 40 of 1,613,430 alleles (0.0025%); highest among the groups gnomAD compares: Admixed American, 0.0067%; no homozygotes.

Submissions (2):

PreventionGenetics, part of Exact Sciences
Classification: Uncertain significance for GLI2-related condition. Last evaluated: 2025-09-22. Review status: criteria provided, single submitter. Criteria: ACMG Guidelines, 2015. Collection method: clinical testing. Allele origin: germline.
Comment: The GLI2 c.695C>T variant is predicted to result in the amino acid substitution p.Ala232Val. This variant has been reported in an individual with combined pituitary hormone deficiency; however, the variant was reported as inherited from an unaffected parent (Table 3, Simm et al. 2018. PubMed ID: 29261175). This variant is present in 0.0056% of alleles in individuals of Latino descent in gnomAD. At this time, the clinical significance of this variant is uncertain due to the absence of conclusive functional and genetic evidence.

Labcorp Genetics (formerly Invitae), Labcorp
Classification: Uncertain significance for Postaxial polydactyly-anterior pituitary anomalies-facial dysmorphism syndrome; Holoprosencephaly 9. Last evaluated: 2025-08-03. Review status: criteria provided, single submitter. Criteria: Invitae Variant Classification Sherloc (09022015). Collection method: clinical testing. Allele origin: germline.
Comment: This sequence change replaces alanine, which is neutral and non-polar, with valine, which is neutral and non-polar, at codon 232 of the GLI2 protein (p.Ala232Val). This variant is present in population databases (rs778102879, gnomAD 0.006%). This missense change has been observed in individual(s) with combined pituitary hormone deficiency (PMID: 29261175). Invitae Evidence Modeling of protein sequence and biophysical properties (such as structural, functional, and spatial information, amino acid conservation, physicochemical variation, residue mobility, and thermodynamic stability) indicates that this missense variant is expected to disrupt GLI2 protein function with a positive predictive value of 80%. In summary, the available evidence is currently insufficient to determine the role of this variant in disease. Therefore, it has been classified as a Variant of Uncertain Significance.

Literature cited by the submitters: PubMed 29261175 (cited by Labcorp Genetics (formerly Invitae), Labcorp).

NM_001374353.1(GLI2):c.695C>T (p.Ala232Val)

Gene: GLI2 (GLI family zinc finger 2; plus strand). Cytogenetic location: 2q14.2.
Variant type: single nucleotide variant.
Coding change: c.695C>T on transcript NM_001374353.1 (MANE Select); coding-DNA position 695, C replaced by T.
Protein change: p.Ala232Val; replaces alanine 232 with valine.
Molecular consequence: missense variant.
Genome position (GRCh38, 1-based): chr2:120,968,765, C>T. VCF-style: chr2-120968765-C-T. GRCh37 (hg19) VCF-style: chr2-121726341-C-T.
Other names: c.695C>T, p.Ala232Val (NM_001371271.1, NM_005270.5); c.320C>T, p.Ala107Val (NM_001374354.1); c.695C>T (NM_005270.4); short protein forms A232V, A107V.
Identifiers: ClinVar variation 4794893 (VCV004794893.2).